The following is an entry in ClinVar:

ClinVar aggregate classification (germline): Pathogenic (1 of 4 stars; one submission).

Conditions:
Hereditary spastic paraplegia 11. Also called: SPASTIC PARAPLEGIA, AUTOSOMAL RECESSIVE, COMPLICATED, WITH THIN CORPUS CALLOSUM; SPASTIC PARAPLEGIA, AUTOSOMAL RECESSIVE, WITH MENTAL IMPAIRMENT AND THIN CORPUS CALLOSUM; Spastic Paraplegia 11; Nakamura Osame syndrome; Autosomal recessive hereditary spastic paraplegia, mental impairment, and thin corpus callosum; Spastic paraplegia, mental retardation and thin corpus callosum. Identifiers: Orphanet 2822, MedGen C1858479, MONDO:0011445, OMIM 604360.

Submission:

Labcorp Genetics (formerly Invitae), Labcorp
Classification: Pathogenic for Hereditary spastic paraplegia 11. Last evaluated: 2023-03-26. Review status: criteria provided, single submitter. Criteria: Invitae Variant Classification Sherloc (09022015). Collection method: clinical testing. Allele origin: germline.
Comment: For these reasons, this variant has been classified as Pathogenic. This sequence change creates a premature translational stop signal (p.Ser1961Ilefs*6) in the SPG11 gene. It is expected to result in an absent or disrupted protein product. Loss-of-function variants in SPG11 are known to be pathogenic (PMID: 19105190, 20110243, 22154821, 26556829). This variant is not present in population databases (gnomAD no frequency). This variant has not been reported in the literature in individuals affected with SPG11-related conditions.

Literature cited by the submitters: PubMed 19105190; PubMed 20110243; PubMed 22154821; PubMed 26556829.

NM_025137.4(SPG11):c.5880_5881dup (p.Ser1961fs)

Gene: SPG11 (SPG11 vesicle trafficking associated, spatacsin; minus strand). Cytogenetic location: 15q21.1.
Variant type: Duplication.
Coding change: c.5880_5881dup on transcript NM_025137.4 (MANE Select); coding-DNA positions 5880 to 5881, 2 bases duplicated (TA; older notation c.5880_5881dupTA).
Protein change: p.Ser1961fs; shifts the reading frame from serine 1961.
Molecular consequence: frameshift variant. On other transcripts: intron variant (1).
Genome position (GRCh38, 1-based): chr15:44,575,027-44,575,028, TA duplicated on the plus strand (TA on the coding strand, the reverse complement: SPG11 is on the minus strand); duplicating any 2 consecutive bases within chr15:44,575,027-44,575,029 gives the same sequence; the c. name uses the placement nearest the transcript's 3' end. VCF-style (leftmost placement, unchanged base first): chr15-44575026-C-CTA. GRCh37 (hg19) VCF-style: chr15-44867224-C-CTA.
Other names: c.5736_5737dup, p.Ser1913fs (NM_001411132.1); c.5867-2208_5867-2207dup (NM_001160227.2); short protein forms S1961fs, S1913fs.
Identifiers: ClinVar variation 2788279 (VCV002788279.3), dbSNP rs2505239376, ClinGen allele CA2739279741.